The following is an entry in ClinVar:

NM_001353345.2(SETD1B):c.4828G>T (p.Asp1610Tyr)

Gene: SETD1B (SET domain containing 1B, histone lysine methyltransferase; plus strand). Cytogenetic location: 12q24.31.
Variant type: single nucleotide variant.
Coding change: c.4828G>T on transcript NM_001353345.2 (MANE Select); coding-DNA position 4828, G replaced by T.
Protein change: p.Asp1610Tyr; replaces aspartic acid 1610 with tyrosine.
Molecular consequence: missense variant.
Genome position (GRCh38, 1-based): chr12:121,823,407, G>T. VCF-style: chr12-121823407-G-T. GRCh37 (hg19) VCF-style: chr12-122261313-G-T.
Other names: short protein forms D1610Y.
Identifiers: ClinVar variation 4087966 (VCV004087966.1).

ClinVar aggregate classification (germline): Uncertain significance (1 of 4 stars; one submission).

Submission:

GeneDx
Classification: Uncertain significance. Last evaluated: 2025-03-25. Review status: criteria provided, single submitter. Criteria: GeneDx Variant Classification Process June 2021. Collection method: clinical testing. Allele origin: germline. Affected: yes.
Comment: Not observed at significant frequency in large population cohorts (gnomAD); In silico analysis supports that this missense variant has a deleterious effect on protein structure/function; Has not been previously published as pathogenic or benign to our knowledge